The following is an entry in ClinVar:

NM_018076.5(ODAD2):c.1553T>G (p.Leu518Arg)

Gene: ODAD2 (outer dynein arm docking complex subunit 2; minus strand). Cytogenetic location: 10p12.1.
Variant type: single nucleotide variant.
Coding change: c.1553T>G on transcript NM_018076.5 (MANE Select); coding-DNA position 1553, T replaced by G.
Protein change: p.Leu518Arg; replaces leucine 518 with arginine.
Molecular consequence: missense variant.
Genome position (GRCh38, 1-based): chr10:27,944,412, A>C on the plus strand (T>G on the coding strand, the complement: ODAD2 is on the minus strand). VCF-style: chr10-27944412-A-C. GRCh37 (hg19) VCF-style: chr10-28233341-A-C.
Other names: c.1553T>G, p.Leu518Arg (NM_001290020.2); c.128T>G, p.Leu43Arg (NM_001290021.2); c.629T>G, p.Leu210Arg (NM_001312689.2); short protein forms L210R, L43R, L518R.
Identifiers: ClinVar variation 648400 (VCV000648400.8), dbSNP rs1468995735, ClinGen allele CA376393250.
Genomic context (GRCh38, chr10:27,944,412, plus strand): 5'-GGTAAGCCCCCAAGGTCAACAATATTCTGTCTGATTTGAGGATTATGACTGATTTCCTTC[A>C]GTATTTTTAATGAACCAATCTGTGTGAGAAAAAAAAAGATGAGTGGCGAATATGTAACCC-3'
Protein context (NP_060546.2, residues 508-528): VKCKIGSLKI[Leu518Arg]KEISHNPQIR

ClinVar aggregate classification (germline): Uncertain significance (1 of 4 stars; one submission).

Conditions:
Primary ciliary dyskinesia 23 (CILD23). Also called: CILIARY DYSKINESIA, PRIMARY, 23, WITH OR WITHOUT SITUS INVERSUS. Identifiers: Orphanet 244, MedGen C3809548, MONDO:0014193, OMIM 615451.

Allele frequency attached by ClinVar (database versions not stated): gnomAD 0.00001; TOPMed 0.00001.
gnomAD v4.1: 1 of 1,613,726 alleles (0.000062%); highest among the groups gnomAD compares: African/African-American, 0.0013%; no homozygotes.

Submission:

Labcorp Genetics (formerly Invitae), Labcorp
Classification: Uncertain significance for Primary ciliary dyskinesia 23. Last evaluated: 2020-06-07. Review status: criteria provided, single submitter. Criteria: Invitae Variant Classification Sherloc (09022015). Collection method: clinical testing. Allele origin: germline.
Comment: In summary, the available evidence is currently insufficient to determine the role of this variant in disease. Therefore, it has been classified as a Variant of Uncertain Significance. Algorithms developed to predict the effect of missense changes on protein structure and function are either unavailable or do not agree on the potential impact of this missense change (SIFT: "Deleterious"; PolyPhen-2: "Probably Damaging"; Align-GVGD: "Class C0"). This variant has been observed in individual(s) with clinical features of ARMC4-related conditions (Invitae). This variant is not present in population databases (ExAC no frequency). This sequence change replaces leucine with arginine at codon 518 of the ARMC4 protein (p.Leu518Arg). The leucine residue is highly conserved and there is a moderate physicochemical difference between leucine and arginine.